The following is an entry in ClinVar:

ClinVar aggregate classification (germline): Pathogenic/Likely pathogenic. Review status: criteria provided, multiple submitters, no conflicts (2 of 4 stars). 15 submissions from 15 submitters: Pathogenic (13); Likely pathogenic (1). 1 of the submissions does not count toward it. Last evaluated 2026-01-21.

Conditions:
Abnormal central motor function. Identifiers: MedGen C4023354, HP:0011442.
Inherited breast cancer and ovarian cancer.
Hereditary cancer-predisposing syndrome. Also called: Neoplastic Syndromes, Hereditary; Hereditary Cancer Syndrome; Tumor predisposition; Hereditary neoplastic syndrome. Identifiers: Orphanet 140162, MedGen C0027672, MeSH D009386, MONDO:0015356.
Gastric cancer. Also called: Stomach cancer; Malignant tumor of stomach. Identifiers: MedGen C0024623, MeSH D013274, MONDO:0001056, OMIM 613659, HP:0012126.
Familial cancer of breast. Also called: BREAST CANCER, FAMILIAL; hereditary breast carcinoma; Hereditary breast cancer. Identifiers: Orphanet 227535, MedGen C0346153, MONDO:0016419, OMIM 114480. Disease mechanism: loss of function.
Ataxia-telangiectasia syndrome (AT). Also called: Ataxia-telangiectasia, complementation group D; AT, COMPLEMENTATION GROUP C; Ataxia-telangiectasia; ATAXIA-TELANGIECTASIA, COMPLEMENTATION GROUP A; ATAXIA-TELANGIECTASIA, FRESNO VARIANT; Ataxia-telangiectasia, complementation group E. Identifiers: Orphanet 100, MedGen C0004135, MONDO:0008840, OMIM 208900.

Allele frequency attached by ClinVar (database versions not stated): gnomAD exomes below 0.00001 and 0.00001; TOPMed 0.00001.
gnomAD v4.1: 7 of 1,614,096 alleles (0.00043%); highest among the groups gnomAD compares: Admixed American, 0.0033%; no homozygotes.

Submissions 1 to 10 of 15:

Labcorp Genetics (formerly Invitae), Labcorp
Classification: Pathogenic for Ataxia-telangiectasia syndrome. Last evaluated: 2026-01-21. Review status: criteria provided, single submitter. Criteria: Invitae Variant Classification Sherloc (09022015). Collection method: clinical testing. Allele origin: germline.
Comment: This sequence change creates a premature translational stop signal (p.Arg2486*) in the ATM gene. It is expected to result in an absent or disrupted protein product. Loss-of-function variants in ATM are known to be pathogenic (PMID: 23807571, 25614872). This variant is present in population databases (rs587779865, gnomAD 0.006%). This premature translational stop signal has been observed in individual(s) with breast cancer and ataxia-telangiectasia (PMID: 12552559, 26681312, 27732944, 28724667). ClinVar contains an entry for this variant (Variation ID: 127445). RNA analysis performed to evaluate the impact of this premature translational stop signal on mRNA splicing indicates it does not significantly alter splicing (internal data). For these reasons, this variant has been classified as Pathogenic.

Color Diagnostics, LLC DBA Color Health
Classification: Pathogenic for Hereditary cancer-predisposing syndrome. Last evaluated: 2025-02-25. Review status: criteria provided, single submitter. Criteria: ACMG Guidelines, 2015. Collection method: clinical testing. Allele origin: germline.
Comment: This variant changes 1 nucleotide in exon 50/63 of the ATM gene, creating a premature translation stop signal. This variant is expected to result in an absent or non-functional protein product. This variant has been reported in individuals affected with breast cancer (PMID: 26681312, 28724667, 30607632) and pancreatic cancer (PMID: 27732944, 29667044). This variant has also been observed in the compound heterozygous state in individuals affected with autosomal recessive ataxia-telangiectasia (PMID: 29906526, 31050087; DOI: 10.22034/HBB.2022.23), indicating that this variant contributes to disease. This variant has been identified in 3/251264 chromosomes in the general population by the Genome Aggregation Database (gnomAD). Loss of ATM function is a known mechanism of disease. Based on the available evidence, this variant is classified as Pathogenic.

NHS Central & South Genomic Laboratory Hub
Classification: Pathogenic for Inherited breast cancer and ovarian cancer. Last evaluated: 2024-11-11. Review status: criteria provided, single submitter. Criteria: ACMG Guidelines, 2015. Collection method: clinical testing. Allele origin: germline. Affected: yes.

Ambry Genetics
Classification: Pathogenic for Hereditary cancer-predisposing syndrome. Last evaluated: 2024-09-23. Review status: criteria provided, single submitter. Criteria: Ambry Variant Classification Scheme 2023. Collection method: clinical testing. Allele origin: germline.
Comment: The p.R2486* pathogenic mutation (also known as c.7456C>T), located in coding exon 49 of the ATM gene, results from a C to T substitution at nucleotide position 7456. This changes the amino acid from an arginine to a stop codon within coding exon 49. This mutation has been identified in multiple patients with ataxia-telangiectasia, either in a homozygous or compound heterozygous state (Buzin CH et al. Hum Mutat, 2003 Feb;21:123-31; Micol R et al. J Allergy Clin Immunol, 2011 Aug;128:382-9.e1; M&eacute;neret A et al. Neurology, 2014 Sep;83:1087-95; Berland A et al. J Allergy Clin Immunol, 2019 01;143:325-334.e2; Fi&eacute;vet A et al. Hum Mutat, 2019 10;40:1713-1730). This mutation has also been reported in multiple patients with breast or pancreatic cancer (Susswein LR et al. Genet Med, 2016 08;18:823-32; Takai E et al. Oncotarget, 2016 Nov;7:74227-74235; Sun J et al. Clin Cancer Res, 2017 Oct;23:6113-6119; Ohmoto A et al. J Gastroenterol, 2018 Oct;53:1159-1167; Yang Z et al. Breast Cancer Res Treat, 2019 Apr;174:639-647). In addition to the information presented in the literature, this alteration is expected to result in loss of function by premature protein truncation or nonsense-mediated mRNA decay. As such, this alteration is interpreted as a disease-causing mutation.

Natera, Inc.
Classification: Pathogenic for Ataxia-telangiectasia. Last evaluated: 2024-06-20. Review status: criteria provided, single submitter. Criteria: Natera Variant Classification Schema (03/2026). Collection method: clinical testing. Allele origin: germline.
Comment: The c.7456C>T variant in ATM is a nonsense variant predicted to introduce a stop codon at amino acid 2486. This variant is expected to result in nonsense mediated decay, truncation, or a dysfunctional protein product. This variant is rare in the general population with a frequency below the threshold expected for the associated phenotype(s). This variant has been observed in one or more individuals affected with the associated recessive disease, as either homozygous or compound heterozygous with a second variant (PMID: 21665257, 12552559). Given the available evidence, this variant is classified as Pathogenic.

Baylor Genetics
Classification: Pathogenic for Familial cancer of breast. Last evaluated: 2024-03-24. Review status: criteria provided, single submitter. Criteria: ACMG Guidelines, 2015. Collection method: clinical testing. Allele origin: unknown.

Myriad Genetics, Inc.
Classification: Pathogenic for Familial cancer of breast. Last evaluated: 2024-01-31. Review status: criteria provided, single submitter. Criteria: Myriad Autosomal Dominant, Autosomal Recessive and X-Linked Classification Criteria (2023). Collection method: clinical testing. Allele origin: unknown.
Comment: This variant is considered pathogenic. This variant creates a termination codon and is predicted to result in premature protein truncation.

GeneDx
Classification: Pathogenic. Last evaluated: 2023-10-13. Review status: criteria provided, single submitter. Criteria: GeneDx Variant Classification Process June 2021. Collection method: clinical testing. Allele origin: germline. Affected: yes.
Comment: Nonsense variant predicted to result in protein truncation or nonsense mediated decay in a gene for which loss-of-function is a known mechanism of disease; Observed in the heterozygous state in individuals with ATM-related cancers (PMID: 27732944, 28724667, 29667044); Not observed at significant frequency in large population cohorts (gnomAD); Truncating variants in this gene are considered pathogenic by a well-established clinical consortium and/or database; This variant is associated with the following publications: (PMID: 25525159, 26681312, 27479817, 25122203, 27732944, 30607632, 31050087, 28724667, 12552559, 29667044, 29922827, Dorgaleleh2022[article], 35118230, 36243179, 29906526, 32826389, 35729272, 35260754, 21665257)

Foundation for Research in Genetics and Endocrinology, FRIGE's Institute of Human Genetics
Classification: Pathogenic for Ataxia-telangiectasia syndrome. Last evaluated: 2023-07-08. Review status: criteria provided, single submitter. Criteria: ACMG Guidelines, 2015. Collection method: clinical testing. Allele origin: germline. Inheritance: Autosomal recessive inheritance. Affected: yes. Observed: 1 heterozygote.
Comment: A heterozygous nonsense variant in exon 50 of the ATM gene that results in a stop codon and premature truncation of the protein at codon 2486 (p.Arg2486Ter) was detected. The observed variant has previously been reported in patients affected with ataxia telangiectasia [PMID: 25122203]. This variant has not been reported in the 1000 genomes, gnomAD (v3.1) and gnomdAD (v2) databases and has a minor allele frequency of 0.0008% in the topmed database. The reference codon is conserved across species. In summary, the variant meets our criteria to be classified as pathogenic.

Kariminejad - Najmabadi Pathology & Genetics Center
Classification: Pathogenic for Abnormal central motor function. Last evaluated: 2021-07-10. Review status: criteria provided, single submitter. Criteria: ACMG Guidelines, 2015. Collection method: clinical testing. Allele origin: germline. Affected: yes.

NM_000051.4(ATM):c.7456C>T (p.Arg2486Ter)

Genes: C11orf65 (chromosome 11 open reading frame 65; minus strand), ATM (ATM serine/threonine kinase; plus strand). Cytogenetic location: 11q22.3.
Variant type: single nucleotide variant.
Coding change: c.7456C>T on transcript NM_000051.4 (MANE Select); coding-DNA position 7456, C replaced by T.
Protein change: p.Arg2486Ter; replaces arginine 2486 with a stop codon.
Molecular consequence: nonsense. On other transcripts: intron variant (2).
Genome position (GRCh38, 1-based): chr11:108,330,362, C>T. VCF-style: chr11-108330362-C-T. GRCh37 (hg19) VCF-style: chr11-108201089-C-T.
Other names: p.R2486*:CGA>TGA; p.Arg2486Ter; c.7456C>T, p.Arg2486Ter (NM_001351834.2); c.641-21291G>A (NM_001330368.2); c.*38+4858G>A (NM_001351110.2); short protein forms R2486*.
Identifiers: ClinVar variation 127445 (VCV000127445.75), dbSNP rs587779865, ClinGen allele CA286987.